The following is an entry in ClinVar:

NM_006421.5(ARFGEF1):c.1190C>G (p.Ser397Cys)

Gene: ARFGEF1 (ARF guanine nucleotide exchange factor 1; minus strand). Cytogenetic location: 8q13.2.
Variant type: single nucleotide variant.
Coding change: c.1190C>G on transcript NM_006421.5 (MANE Select); coding-DNA position 1190, C replaced by G.
Protein change: p.Ser397Cys; replaces serine 397 with cysteine.
Molecular consequence: missense variant. On other transcripts: non-coding transcript variant (1), intron variant (1).
Genome position (GRCh38, 1-based): chr8:67,277,295, G>C on the plus strand (C>G on the coding strand, the complement: ARFGEF1 is on the minus strand). VCF-style: chr8-67277295-G-C. GRCh37 (hg19) VCF-style: chr8-68189530-G-C.
Other names: c.1190C>G, p.Ser397Cys (NM_001413184.1, NM_001413185.1, NM_001413186.1 and 7 more transcripts); c.590C>G, p.Ser197Cys (NM_001413188.1, NM_001413193.1, NM_001413197.1); c.-88-5359C>G (NM_001413196.1); short protein forms S397C, S197C.
Identifiers: ClinVar variation 4991915 (VCV004991915.1).

ClinVar aggregate classification (germline): Uncertain significance (1 of 4 stars; one submission).

Conditions:
ARFGEF1-related disorder. Also called: ARFGEF1-related condition.

Submission:

PreventionGenetics, part of Exact Sciences
Classification: Uncertain significance for ARFGEF1-related condition. Last evaluated: 2026-09-17. Review status: criteria provided, single submitter. Criteria: ACMG Guidelines, 2015. Collection method: clinical testing. Allele origin: germline.
Comment: The ARFGEF1 c.1190C>G variant is predicted to result in the amino acid substitution p.Ser397Cys. To our knowledge, this variant has not been reported in the literature or in a large population database (gnomAD), indicating this variant is rare. Although we suspect that this variant may be pathogenic, at this time, the clinical significance of this variant is uncertain due to the absence of conclusive functional and genetic evidence.